The following is an entry in ClinVar:

NM_000352.6(ABCC8):c.510C>T (p.Cys170=)

Gene: ABCC8 (ATP binding cassette subfamily C member 8; minus strand). Cytogenetic location: 11p15.1.
Variant type: single nucleotide variant.
Coding change: c.510C>T on transcript NM_000352.6 (MANE Select); coding-DNA position 510, C replaced by T.
Protein change: p.Cys170=; no amino-acid change (cysteine 170 retained).
Molecular consequence: synonymous variant. On other transcripts: non-coding transcript variant (1).
Genome position (GRCh38, 1-based): chr11:17,463,507, G>A on the plus strand (C>T on the coding strand, the complement: ABCC8 is on the minus strand). VCF-style: chr11-17463507-G-A. GRCh37 (hg19) VCF-style: chr11-17485054-G-A.
Other names: c.510C>T, p.Cys170= (NM_001287174.3, NM_001351295.2, NM_001351296.2 and 1 more transcripts).
Identifiers: ClinVar variation 751300 (VCV000751300.13), dbSNP rs752679178, ClinGen allele CA5903853.

ClinVar aggregate classification (germline): Conflicting classifications of pathogenicity. Review status: criteria provided, conflicting classifications (1 of 4 stars). 4 submissions from 3 submitters: Uncertain significance (2); Likely benign (2). Last evaluated 2023-11-17.

Conditions:
Maturity-onset diabetes of the young (MODY). Also called: Maturity onset diabetes mellitus in young. Identifiers: Orphanet 552, MedGen C0342276, MONDO:0018911, HP:0004904.
Transitory neonatal diabetes mellitus. Also called: Transient neonatal diabetes mellitus. Identifiers: MedGen C0342273, MONDO:0020525, HP:0008255.

Allele frequency attached by ClinVar (database versions not stated): gnomAD 0.00001; gnomAD exomes 0.00001; ExAC 0.00005.
gnomAD v4.1: 15 of 1,602,410 alleles (0.00094%); highest among the groups gnomAD compares: Non-Finnish European, 0.0013%; no homozygotes.

Submissions (4):

Labcorp Genetics (formerly Invitae), Labcorp
Classification: Likely benign. Last evaluated: 2023-11-17. Review status: criteria provided, single submitter. Criteria: Invitae Variant Classification Sherloc (09022015). Collection method: clinical testing. Allele origin: germline.

Genetic Services Laboratory, University of Chicago
Classification: Likely benign. Last evaluated: 2017-10-25. Review status: criteria provided, single submitter. Criteria: ACMG Guidelines, 2015. Collection method: clinical testing. Allele origin: germline. Affected: no.

Clinical Genomics, Uppaluri K&H Personalized Medicine Clinic
Classification: Uncertain significance for Maturity-onset diabetes of the young. Review status: criteria provided, single submitter. Criteria: K & H Uppaluri Personalized Medicine Clinic Variant Classification & Assertion Criteria_Updated V.1. Collection method: research. Allele origin: unknown. Inheritance: Somatic mutation.
Comment: Mutations in ABCC8 gene are associated with both neonatal diabetes mellitus as well as MODY. Patients with this mutation may have a better response to sulfonylureas. However, no sufficient evidence is found to ascertain the role of this particular variant (rs752679178) in MODY yet.

Clinical Genomics, Uppaluri K&H Personalized Medicine Clinic
Classification: Uncertain significance for Transitory neonatal diabetes mellitus. Review status: criteria provided, single submitter. Criteria: K & H Uppaluri Personalized Medicine Clinic Variant Classification & Assertion Criteria_Updated V.1. Collection method: research. Allele origin: unknown. Inheritance: Somatic mutation.
Comment: Mutations in ABCC8 gene are associated with both neonatal diabetes mellitus as well as MODY. Patients with this mutation may have a better response to sulfonylureas. However, no sufficient evidence is found to ascertain the role of this particular variant (rs752679178) in neonatal diabetes yet.

Literature cited by the submitters: PubMed 16885549 (cited by Clinical Genomics, Uppaluri K&H Personalized Medicine Clinic); PubMed 21989597 (cited by Clinical Genomics, Uppaluri K&H Personalized Medicine Clinic); PubMed 27538677 (cited by Clinical Genomics, Uppaluri K&H Personalized Medicine Clinic); PubMed 18981553 (cited by Clinical Genomics, Uppaluri K&H Personalized Medicine Clinic); PubMed 32027066 (cited by Clinical Genomics, Uppaluri K&H Personalized Medicine Clinic); PubMed 16613899 (cited by Clinical Genomics, Uppaluri K&H Personalized Medicine Clinic); PubMed 18025408 (cited by Clinical Genomics, Uppaluri K&H Personalized Medicine Clinic); PubMed 32792356 (cited by Clinical Genomics, Uppaluri K&H Personalized Medicine Clinic).